The following is an entry in ClinVar:

NM_053025.4(MYLK):c.4348C>T (p.Arg1450Trp)

Gene: MYLK (myosin light chain kinase; minus strand). Cytogenetic location: 3q21.1.
Variant type: single nucleotide variant.
Coding change: c.4348C>T on transcript NM_053025.4 (MANE Select); coding-DNA position 4348, C replaced by T.
Protein change: p.Arg1450Trp; replaces arginine 1450 with tryptophan.
Molecular consequence: missense variant.
Genome position (GRCh38, 1-based): chr3:123,649,038, G>A on the plus strand (C>T on the coding strand, the complement: MYLK is on the minus strand). VCF-style: chr3-123649038-G-A. GRCh37 (hg19) VCF-style: chr3-123367885-G-A.
Other names: c.3820C>T, p.Arg1274Trp (NM_001321309.2); c.4141C>T, p.Arg1381Trp (NM_053026.4, NM_053028.4); c.4348C>T, p.Arg1450Trp (NM_053027.4); short protein forms R1450W, R1274W, R1381W.
Identifiers: ClinVar variation 342872 (VCV000342872.25), dbSNP rs143258617, ClinGen allele CA071501.

ClinVar aggregate classification (germline): Likely benign. Review status: criteria provided, multiple submitters, no conflicts (2 of 4 stars). 6 submissions from 6 submitters: Likely benign (6). Last evaluated 2025-12-22.

Conditions:
Familial thoracic aortic aneurysm and aortic dissection (TAAD). Also called: Thoracic aortic aneurysms and dissections. Identifiers: Orphanet 91387, MedGen C4707243, MONDO:0019625.
Aortic aneurysm, familial thoracic 7 (AAT7). Also called: AORTIC DISSECTION, FAMILIAL, WITH OR WITHOUT AORTIC ANEURYSM. Identifiers: MedGen C3151077, MONDO:0013418, OMIM 613780.

Allele frequency attached by ClinVar (database versions not stated): 1000 Genomes Project 30x 0.00016; 1000 Genomes Project 0.00020; ESP Exome Variant Server 0.00031; gnomAD 0.00033 and 0.00035; TOPMed 0.00039; ExAC 0.00041; gnomAD exomes 0.00046.
gnomAD v4.1: 190 of 1,614,146 alleles (0.012%); highest among the groups gnomAD compares: Admixed American, 0.25%; 1 homozygote.

Submissions (6):

Labcorp Genetics (formerly Invitae), Labcorp
Classification: Likely benign for Aortic aneurysm, familial thoracic 7. Last evaluated: 2025-12-22. Review status: criteria provided, single submitter. Criteria: Invitae Variant Classification Sherloc (09022015). Collection method: clinical testing. Allele origin: germline.

ARUP Laboratories, Molecular Genetics and Genomics, ARUP Laboratories
Classification: Likely benign. Last evaluated: 2024-05-09. Review status: criteria provided, single submitter. Criteria: ARUP Molecular Germline Variant Investigation Process 2024. Collection method: clinical testing. Allele origin: germline.

Women's Health and Genetics/Laboratory Corporation of America, LabCorp
Classification: Likely benign. Last evaluated: 2023-07-21. Review status: criteria provided, single submitter. Criteria: LabCorp Variant Classification Summary - May 2015. Collection method: clinical testing. Allele origin: germline.

Ambry Genetics
Classification: Likely benign for Familial thoracic aortic aneurysm and aortic dissection. Last evaluated: 2022-12-12. Review status: criteria provided, single submitter. Criteria: Ambry Variant Classification Scheme 2023. Collection method: clinical testing. Allele origin: germline.

GeneDx
Classification: Likely benign. Last evaluated: 2020-09-23. Review status: criteria provided, single submitter. Criteria: GeneDx Variant Classification Process June 2021. Collection method: clinical testing. Allele origin: germline. Affected: yes.

Illumina Laboratory Services, Illumina
Classification: Likely benign for Aortic aneurysm, familial thoracic 7. Last evaluated: 2018-01-13. Review status: criteria provided, single submitter. Criteria: ICSL Variant Classification Criteria 13 December 2019. Collection method: clinical testing. Allele origin: germline.
Comment: This variant was observed in the ICSL laboratory as part of a predisposition screen in an ostensibly healthy population. It had not been previously curated by ICSL or reported in the Human Gene Mutation Database (HGMD: prior to June 1st, 2018), and was therefore a candidate for classification through an automated scoring system. Utilizing variant allele frequency, disease prevalence and penetrance estimates, and inheritance mode, an automated score was calculated to assess if this variant is too frequent to cause the disease. Based on the score and internal cut-off values, a variant classified as likely benign is not then subjected to further curation. The score for this variant resulted in a classification of likely benign for this disease.